The following is an entry in ClinVar:

ClinVar aggregate classification (germline): Uncertain significance. Review status: criteria provided, multiple submitters, no conflicts (2 of 4 stars). 2 submissions from 2 submitters: Uncertain significance (2). Last evaluated 2026-03-24.

Conditions:
Hereditary cancer-predisposing syndrome. Also called: Hereditary Cancer Syndrome; Hereditary neoplastic syndrome; Neoplastic Syndromes, Hereditary; Tumor predisposition. Identifiers: Orphanet 140162, MedGen C0027672, MeSH D009386, MONDO:0015356.

Submissions (2):

Ambry Genetics
Classification: Uncertain significance for Hereditary cancer-predisposing syndrome. Last evaluated: 2026-03-24. Review status: criteria provided, single submitter. Criteria: Ambry Variant Classification Scheme 2023. Collection method: clinical testing. Allele origin: germline.
Comment: The c.2319+5G>C intronic variant results from a G to C substitution 5 nucleotides after coding exon 20 in the POLE gene. This nucleotide position is highly conserved in available vertebrate species. In silico splice site analysis predicts that this alteration will not have any significant effect on splicing. Based on the available evidence, the clinical significance of this variant remains unclear.

Labcorp Genetics (formerly Invitae), Labcorp
Classification: Uncertain significance. Last evaluated: 2024-12-08. Review status: criteria provided, single submitter. Criteria: Invitae Variant Classification Sherloc (09022015). Collection method: clinical testing. Allele origin: germline.
Comment: This sequence change falls in intron 20 of the POLE gene. It does not directly change the encoded amino acid sequence of the POLE protein. It affects a nucleotide within the consensus splice site. This variant is not present in population databases (gnomAD no frequency). This variant has not been reported in the literature in individuals affected with POLE-related conditions. Variants that disrupt the consensus splice site are a relatively common cause of aberrant splicing (PMID: 17576681, 9536098). Algorithms developed to predict the effect of sequence changes on RNA splicing suggest that this variant is not likely to affect RNA splicing. In summary, the available evidence is currently insufficient to determine the role of this variant in disease. Therefore, it has been classified as a Variant of Uncertain Significance.

Literature cited by the submitters: PubMed 17576681 (cited by Labcorp Genetics (formerly Invitae), Labcorp); PubMed 9536098 (cited by Labcorp Genetics (formerly Invitae), Labcorp).

NM_006231.4(POLE):c.2319+5G>C

Gene: POLE (DNA polymerase epsilon, catalytic subunit; minus strand). Cytogenetic location: 12q24.33.
Variant type: single nucleotide variant.
Coding change: c.2319+5G>C on transcript NM_006231.4 (MANE Select); 5 bases into the intron after coding-DNA position 2319, G replaced by C.
Molecular consequence: intron variant.
Genome position (GRCh38, 1-based): chr12:132,667,498, C>G on the plus strand (G>C on the coding strand, the complement: POLE is on the minus strand). VCF-style: chr12-132667498-C-G. GRCh37 (hg19) VCF-style: chr12-133244084-C-G.
Other names: c.2319+5G>C (NM_006231.2).
Identifiers: ClinVar variation 3726917 (VCV003726917.3).